The following is an entry in ClinVar:

NM_001540.5(HSPB1):c.523C>T (p.Gln175Ter)

Gene: HSPB1 (heat shock protein family B (small) member 1; plus strand). Cytogenetic location: 7q11.23.
Variant type: single nucleotide variant.
Coding change: c.523C>T on transcript NM_001540.5 (MANE Select); coding-DNA position 523, C replaced by T.
Protein change: p.Gln175Ter; replaces glutamine 175 with a stop codon.
Molecular consequence: nonsense.
Genome position (GRCh38, 1-based): chr7:76,304,078, C>T. VCF-style: chr7-76304078-C-T. GRCh37 (hg19) VCF-style: chr7-75933395-C-T.
Other names: short protein forms Q175*.
Identifiers: ClinVar variation 217231 (VCV000217231.17), dbSNP rs863225023, ClinGen allele CA279092.

ClinVar aggregate classification (germline): Pathogenic/Likely pathogenic. Review status: criteria provided, multiple submitters, no conflicts (2 of 4 stars). 4 submissions from 4 submitters: Pathogenic (2); Likely pathogenic (1). 1 of the submissions does not count toward it. Last evaluated 2026-09-25.

Conditions:
Charcot-Marie-Tooth disease. Also called: Charcot-Marie-Tooth Hereditary Neuropathy; Charcot-Marie-Tooth Neuropathy. Identifiers: Orphanet 166, MedGen C0007959, MONDO:0015626.
Charcot-Marie-Tooth disease axonal type 2F (CMT2F). Also called: CHARCOT-MARIE-TOOTH DISEASE, NEURONAL, TYPE 2F; Charcot-Marie-Tooth Neuropathy Type 2F. Identifiers: Orphanet 99940, MedGen C1847823, MONDO:0011687, OMIM 606595.

Allele frequency attached by ClinVar (database versions not stated): gnomAD exomes below 0.00001; gnomAD 0.00001; TOPMed 0.00001.

Submissions (4):

GeneDx
Classification: Pathogenic. Last evaluated: 2026-09-25. Review status: criteria provided, single submitter. Criteria: GeneDx Variant Classification Process June 2021. Collection method: clinical testing. Allele origin: germline.
Comment: Nonsense variant predicted to result in protein truncation, as the last 31 amino acid(s) are lost, and other loss-of-function variants have been reported downstream in HGMD; Not observed at significant frequency in large population cohorts (gnomAD); This variant is associated with the following publications: (PMID: Nardin2024[abstract], 27816334, 22734906, 30373780, 28144995)

Labcorp Genetics (formerly Invitae), Labcorp
Classification: Pathogenic for Charcot-Marie-Tooth disease axonal type 2F. Last evaluated: 2025-11-03. Review status: criteria provided, single submitter. Criteria: Invitae Variant Classification Sherloc (09022015). Collection method: clinical testing. Allele origin: germline.
Comment: This sequence change creates a premature translational stop signal (p.Gln175*) in the HSPB1 gene. While this is not anticipated to result in nonsense mediated decay, it is expected to disrupt the last 31 amino acid(s) of the HSPB1 protein. This variant is present in population databases (no rsID available, gnomAD 0.007%). This premature translational stop signal has been observed in individuals with autosomal dominant Charcot-Marie-Tooth disease (PMID: 22734906, 28144995). It has also been observed to segregate with disease in related individuals. ClinVar contains an entry for this variant (Variation ID: 217231). This variant is located in a region of the HSPB1 protein where a significant number of HSPB1 nonsense and frameshift mutations have been reported in association with autosomal dominant HSPB1-related neuropathies (PMID: 22734906, 28144995, 33686258). For these reasons, this variant has been classified as Pathogenic.

Athena Diagnostics
Classification: Likely pathogenic. Last evaluated: 2022-09-26. Review status: criteria provided, single submitter. Criteria: Athena Diagnostics Criteria. Collection method: clinical testing. Allele origin: unknown.
Comment: This variant creates a premature stop codon resulting in a truncated HSPB1. Similar truncating variants in this gene have been reported in cases of axonal Charcot-Marie-Tooth disease (PMID: 32334137, 26675522). The frequency of this variant in the general population is consistent with pathogenicity. This variant has been identified in multiple unrelated individuals with motor neuropathies and appears to segregate with axonal Charcot-Marie-Tooth disease in at least one family.

Genesis Genome Database
Classification: Uncertain significance for Charcot-Marie-Tooth disease. Last evaluated: 2019-08-14. Review status: no assertion criteria provided. Collection method: research. Allele origin: germline. Affected: yes. Not counted in ClinVar's aggregate classification.

Literature cited by the submitters: PubMed 22734906 (cited by Labcorp Genetics (formerly Invitae), Labcorp and Athena Diagnostics); PubMed 28144995 (cited by Labcorp Genetics (formerly Invitae), Labcorp and Athena Diagnostics); PubMed 33686258 (cited by Labcorp Genetics (formerly Invitae), Labcorp); PubMed 30373780 (cited by Athena Diagnostics); PubMed 27816334 (cited by Athena Diagnostics).